The following is an entry in ClinVar:

NM_015932.6(POMP):c.145G>C (p.Glu49Gln)

Gene: POMP (proteasome maturation protein; plus strand). Cytogenetic location: 13q12.3.
Variant type: single nucleotide variant.
Coding change: c.145G>C on transcript NM_015932.6 (MANE Select); coding-DNA position 145, G replaced by C.
Protein change: p.Glu49Gln; replaces glutamic acid 49 with glutamine.
Molecular consequence: missense variant.
Genome position (GRCh38, 1-based): chr13:28,664,552, G>C. VCF-style: chr13-28664552-G-C. GRCh37 (hg19) VCF-style: chr13-29238689-G-C.
Other names: short protein forms E49Q.
Identifiers: ClinVar variation 3003034 (VCV003003034.3), dbSNP rs779225629, ClinGen allele CA6931034.
Genomic context (GRCh38, chr13:28,664,552, plus strand): 5'-TTTTAATGTCCTTTCAGTTTTTCTTGTGTGAAAAATGAACTTTTGCCTAGTCATCCCCTT[G>C]AATTATCAGAAAAAAATGTAAGTATATTATTATGTCCTTATTTTTATCTTCTAATAGATA-3'
Protein context (NP_057016.1, residues 39-59): KNELLPSHPL[Glu49Gln]LSEKNFQLNQ

ClinVar aggregate classification (germline): Uncertain significance (1 of 4 stars; one submission).

Allele frequency attached by ClinVar (database versions not stated): ExAC 0.00001.
gnomAD v4.1: 1 of 1,559,016 alleles (0.000064%); no homozygotes.

Submission:

Labcorp Genetics (formerly Invitae), Labcorp
Classification: Uncertain significance. Last evaluated: 2023-11-19. Review status: criteria provided, single submitter. Criteria: Invitae Variant Classification Sherloc (09022015). Collection method: clinical testing. Allele origin: germline.
Comment: This sequence change replaces glutamic acid, which is acidic and polar, with glutamine, which is neutral and polar, at codon 49 of the POMP protein (p.Glu49Gln). This variant is present in population databases (rs779225629, gnomAD 0.01%). This variant has not been reported in the literature in individuals affected with POMP-related conditions. An algorithm developed to predict the effect of missense changes on protein structure and function (PolyPhen-2) suggests that this variant is likely to be disruptive. In summary, the available evidence is currently insufficient to determine the role of this variant in disease. Therefore, it has been classified as a Variant of Uncertain Significance.